The following is an entry in ClinVar:

ClinVar aggregate classification (germline): Benign. Review status: criteria provided, multiple submitters, no conflicts (2 of 4 stars). 4 submissions from 4 submitters: Benign (4). Last evaluated 2024-07-15.

Conditions:
Nephrotic syndrome, type 2 (NPHS2). Also called: NEPHROTIC SYNDROME, STEROID-RESISTANT, AUTOSOMAL RECESSIVE. Identifiers: Orphanet 656, MedGen C1868672, MONDO:0010974, OMIM 600995.

Allele frequency attached by ClinVar (database versions not stated): 1000 Genomes Project 0.13339; 1000 Genomes Project 30x 0.13616; TOPMed 0.18864; ESP Exome Variant Server 0.19373; gnomAD 0.20239 and 0.20346; gnomAD exomes 0.23703 and 0.25832; ExAC 0.24744.
gnomAD v4.1: 334,292 of 1,330,488 alleles (25%); highest among the groups gnomAD compares: Non-Finnish European, 27%; 44,859 homozygotes.

Submissions (4):

Unidad de Genómica Garrahan, Hospital de Pediatría Garrahan
Classification: Benign. Last evaluated: 2024-07-15. Review status: criteria provided, single submitter. Criteria: ACMG Guidelines, 2015. Collection method: clinical testing. Allele origin: germline. Affected: no. Observed: 39 variant alleles.
Comment: This variant is classified as Benign based on local population frequency. This variant was detected in 42% of patients studied in a panel designed for Epileptic and Developmental Encephalopathy and Progressive Myoclonus Epilepsy. Number of patients: 39. Only high quality variants are reported.

Genome-Nilou Lab
Classification: Benign for Nephrotic syndrome, type 2. Last evaluated: 2021-07-08. Review status: criteria provided, single submitter. Criteria: ACMG Guidelines, 2015. Collection method: clinical testing. Allele origin: germline. Affected: no.

GeneDx
Classification: Benign. Last evaluated: 2018-11-12. Review status: criteria provided, single submitter. Criteria: GeneDx Variant Classification Process June 2021. Collection method: clinical testing. Allele origin: germline. Affected: yes.

Breakthrough Genomics
Classification: Benign. Review status: criteria provided, single submitter. Criteria: ACMG Guidelines, 2015. Collection method: not provided. Allele origin: germline. Inheritance: Autosomal recessive inheritance. Affected: yes.

NM_014625.4(NPHS2):c.452-46C>T

Gene: NPHS2 (NPHS2 stomatin family member, podocin; minus strand). Cytogenetic location: 1q25.2.
Variant type: single nucleotide variant.
Coding change: c.452-46C>T on transcript NM_014625.4 (MANE Select); 46 bases into the intron before coding-DNA position 452, C replaced by T.
Molecular consequence: intron variant.
Genome position (GRCh38, 1-based): chr1:179,559,807, G>A on the plus strand (C>T on the coding strand, the complement: NPHS2 is on the minus strand). VCF-style: chr1-179559807-G-A. GRCh37 (hg19) VCF-style: chr1-179528942-G-A.
Other names: c.452-46C>T (NM_001297575.2).
Identifiers: ClinVar variation 1180467 (VCV001180467.6), dbSNP rs12401711, ClinGen allele CA1267213.